The following is an entry in ClinVar:

NM_000257.4(MYH7):c.3245+149C>G

Gene: MYH7 (myosin heavy chain 7; minus strand). Cytogenetic location: 14q11.2.
Variant type: single nucleotide variant.
Coding change: c.3245+149C>G on transcript NM_000257.4 (MANE Select); 149 bases into the intron after coding-DNA position 3245, C replaced by G.
Molecular consequence: intron variant.
Genome position (GRCh38, 1-based): chr14:23,422,031, G>C on the plus strand (C>G on the coding strand, the complement: MYH7 is on the minus strand). VCF-style: chr14-23422031-G-C. GRCh37 (hg19) VCF-style: chr14-23891240-G-C.
Identifiers: ClinVar variation 132907 (VCV000132907.2), dbSNP rs483352965, ClinGen allele CA013490.

ClinVar aggregate classification (germline): Uncertain significance (0 of 4 stars; one submission).

Conditions:
Familial cardiomyopathy. Identifiers: MedGen C0264789, MONDO:0005217.

Allele frequency attached by ClinVar (database versions not stated): gnomAD 0.00073; TOPMed 0.00136; 1000 Genomes Project 30x 0.00141; 1000 Genomes Project 0.00180.
gnomAD v4.1: 2,121 of 1,251,636 alleles (0.17%); highest among the groups gnomAD compares: Middle Eastern, 1.9%; 21 homozygotes.

Submission:

Evolutionary and Medical Genetics Laboratory,  Centre for Cellular and Molecular Biology
Classification: Uncertain significance. Review status: no assertion criteria provided. Collection method: not provided. Allele origin: unknown.
ClinVar note: Converted during submission from unknown to Uncertain significance.